The following is an entry in ClinVar:

NM_000059.4(BRCA2):c.5192A>G (p.His1731Arg)

Gene: BRCA2 (BRCA2 DNA repair associated; plus strand). Cytogenetic location: 13q13.1.
Variant type: single nucleotide variant.
Coding change: c.5192A>G on transcript NM_000059.4 (MANE Select); coding-DNA position 5192, A replaced by G.
Protein change: p.His1731Arg; replaces histidine 1731 with arginine.
Molecular consequence: missense variant.
Genome position (GRCh38, 1-based): chr13:32,339,547, A>G. VCF-style: chr13-32339547-A-G. GRCh37 (hg19) VCF-style: chr13-32913684-A-G.
Other names: short protein forms H1731R.
Identifiers: ClinVar variation 576698 (VCV000576698.16), dbSNP rs765259371, ClinGen allele CA6940855.

ClinVar aggregate classification (germline): Conflicting classifications of pathogenicity. Review status: criteria provided, conflicting classifications (1 of 4 stars). 5 submissions from 5 submitters: Uncertain significance (4); Likely benign (1). Last evaluated 2025-10-14.

Conditions:
Hereditary cancer-predisposing syndrome. Also called: Tumor predisposition; Hereditary neoplastic syndrome; Hereditary Cancer Syndrome; Neoplastic Syndromes, Hereditary. Identifiers: Orphanet 140162, MedGen C0027672, MeSH D009386, MONDO:0015356.
Hereditary breast ovarian cancer syndrome. Also called: Hereditary breast and ovarian cancer; Breast and ovarian cancer; Hereditary breast and ovarian cancer syndrome; BRCA1- and BRCA2-Associated Hereditary Breast and Ovarian Cancer; Hereditary breast and/or ovarian cancer syndrome; Hereditary breast and ovarian cancer syndrome (HBOC). Identifiers: Orphanet 145, MedGen C0677776, MeSH D061325, MONDO:0003582. Disease mechanism: loss of function.

Allele frequency attached by ClinVar (database versions not stated): ExAC 0.00001.

Submissions (5):

Labcorp Genetics (formerly Invitae), Labcorp
Classification: Uncertain significance for Hereditary breast ovarian cancer syndrome. Last evaluated: 2025-10-14. Review status: criteria provided, single submitter. Criteria: Invitae Variant Classification Sherloc (09022015). Collection method: clinical testing. Allele origin: germline.
Comment: This sequence change replaces histidine, which is basic and polar, with arginine, which is basic and polar, at codon 1731 of the BRCA2 protein (p.His1731Arg). This variant is present in population databases (rs765259371, gnomAD 0.0009%). This variant has not been reported in the literature in individuals affected with BRCA2-related conditions. ClinVar contains an entry for this variant (Variation ID: 576698). Invitae Evidence Modeling of protein sequence and biophysical properties (such as structural, functional, and spatial information, amino acid conservation, physicochemical variation, residue mobility, and thermodynamic stability) indicates that this missense variant is not expected to disrupt BRCA2 protein function with a negative predictive value of 95%. In summary, the available evidence is currently insufficient to determine the role of this variant in disease. Therefore, it has been classified as a Variant of Uncertain Significance.

Ambry Genetics
Classification: Uncertain significance for Hereditary cancer-predisposing syndrome. Last evaluated: 2025-08-20. Review status: criteria provided, single submitter. Criteria: Ambry Variant Classification Scheme 2023. Collection method: clinical testing. Allele origin: germline.
Comment: The p.H1731R variant (also known as c.5192A>G), located in coding exon 10 of the BRCA2 gene, results from an A to G substitution at nucleotide position 5192. The histidine at codon 1731 is replaced by arginine, an amino acid with highly similar properties. This amino acid position is not well conserved in available vertebrate species. In addition, this alteration is predicted to be tolerated by in silico analysis. Since supporting evidence is limited at this time, the clinical significance of this alteration remains unclear.

University of Washington Department of Laboratory Medicine, University of Washington
Classification: Likely benign for Hereditary cancer-predisposing syndrome. Last evaluated: 2023-03-23. Review status: criteria provided, single submitter. Criteria: Dines et al. (Genet Med. 2020). Collection method: curation. Allele origin: germline.
Comment: Missense variant in a coldspot region where missense variants are very unlikely to be pathogenic (PMID:31911673).

BRCA2 exon 11 coldspot. Reclassification based on statistical prior probability.

GeneDx
Classification: Uncertain significance. Last evaluated: 2019-12-20. Review status: criteria provided, single submitter. Criteria: GeneDx Variant Classification Process June 2021. Collection method: clinical testing. Allele origin: germline. Affected: yes.
Comment: Not observed in large population cohorts (Lek et al., 2016); In silico analysis, which includes protein predictors and evolutionary conservation, supports a deleterious effect; Has not been previously published as pathogenic or benign to our knowledge; Also known as: 5420A>G

Quest Diagnostics Nichols Institute San Juan Capistrano
Classification: Uncertain significance. Last evaluated: 2019-10-03. Review status: criteria provided, single submitter. Criteria: Quest Diagnostics criteria. Collection method: clinical testing. Allele origin: unknown.